The following is an entry in ClinVar:

NM_000388.4(CASR):c.1826C>A (p.Thr609Lys)

Gene: CASR (calcium sensing receptor; plus strand). Cytogenetic location: 3q21.1.
Variant type: single nucleotide variant.
Coding change: c.1826C>A on transcript NM_000388.4 (MANE Select); coding-DNA position 1826, C replaced by A.
Protein change: p.Thr609Lys; replaces threonine 609 with lysine.
Molecular consequence: missense variant.
Genome position (GRCh38, 1-based): chr3:122,283,780, C>A. VCF-style: chr3-122283780-C-A. GRCh37 (hg19) VCF-style: chr3-122002627-C-A.
Other names: c.1856C>A, p.Thr619Lys (NM_001178065.2); short protein forms T619K, T609K.
Identifiers: ClinVar variation 1376192 (VCV001376192.8), dbSNP rs759904153, ClinGen allele CA354157509.

ClinVar aggregate classification (germline): Uncertain significance (1 of 4 stars; one submission).

Conditions:
Familial hypocalciuric hypercalcemia (FHH). Also called: Familial benign hypercalcemia. Identifiers: Orphanet 405, MedGen C1809471, MONDO:0018458.
Autosomal dominant hypocalcemia 1 (HYPOC1). Also called: HYPOCALCEMIA, FAMILIAL. Identifiers: MedGen C3715128, MONDO:0011013, OMIM 601198.

Submission:

Labcorp Genetics (formerly Invitae), Labcorp
Classification: Uncertain significance for Familial hypocalciuric hypercalcemia; Autosomal dominant hypocalcemia 1. Last evaluated: 2020-12-07. Review status: criteria provided, single submitter. Criteria: Invitae Variant Classification Sherloc (09022015). Collection method: clinical testing. Allele origin: germline.
Comment: This variant has not been reported in the literature in individuals with CASR-related conditions. This variant is not present in population databases (ExAC no frequency). This sequence change replaces threonine with lysine at codon 609 of the CASR protein (p.Thr609Lys). The threonine residue is highly conserved and there is a moderate physicochemical difference between threonine and lysine. Algorithms developed to predict the effect of missense changes on protein structure and function are either unavailable or do not agree on the potential impact of this missense change (SIFT: "Deleterious"; PolyPhen-2: "Possibly Damaging"; Align-GVGD: "Class C15"). In summary, the available evidence is currently insufficient to determine the role of this variant in disease. Therefore, it has been classified as a Variant of Uncertain Significance.